The following is an entry in ClinVar:

ClinVar aggregate classification (germline): Uncertain significance (1 of 4 stars; one submission).

gnomAD v4.1: 64 of 1,610,412 alleles (0.004%); highest among the groups gnomAD compares: Non-Finnish European, 0.0048%; no homozygotes.

Submission:

Mayo Clinic Laboratories, Mayo Clinic
Classification: Uncertain significance. Last evaluated: 2024-02-20. Review status: criteria provided, single submitter. Criteria: ACMG Guidelines, 2015. Collection method: clinical testing. Allele origin: germline. Observed: 1 variant allele.
Comment: PM2_moderate

NM_001198800.3(ASCC1):c.10C>G (p.Leu4Val)

Gene: ASCC1 (activating signal cointegrator 1 complex subunit 1; minus strand). Cytogenetic location: 10q22.1.
Variant type: single nucleotide variant.
Coding change: c.10C>G on transcript NM_001198800.3 (MANE Select); coding-DNA position 10, C replaced by G.
Protein change: p.Leu4Val; replaces leucine 4 with valine.
Molecular consequence: missense variant. On other transcripts: 5 prime UTR variant (5), non-coding transcript variant (1).
Genome position (GRCh38, 1-based): chr10:72,213,289, G>C on the plus strand (C>G on the coding strand, the complement: ASCC1 is on the minus strand). VCF-style: chr10-72213289-G-C. GRCh37 (hg19) VCF-style: chr10-73973047-G-C.
Other names: p.Leu4Val; c.10C>G, p.Leu4Val (NM_001198798.2, NM_001198799.3, NM_001369087.1 and 19 more transcripts); c.76C>G, p.Leu26Val (NM_001369085.1, NM_001369086.1, NM_001369099.1); c.-206C>G (NM_001369101.1, NM_001369102.1, NM_001369105.1 and 2 more transcripts); short protein forms L26V, L4V.
Identifiers: ClinVar variation 3379972 (VCV003379972.1).